The following is an entry in ClinVar:

ClinVar aggregate classification (germline): Likely pathogenic (1 of 4 stars; one submission).

Conditions:
Schimke immuno-osseous dysplasia (SIOD). Also called: Schimke Immunoosseous Dysplasia. Identifiers: Orphanet 1830, MedGen C0877024, MONDO:0009458, OMIM 242900.

Submission:

Labcorp Genetics (formerly Invitae), Labcorp
Classification: Likely pathogenic for Schimke immuno-osseous dysplasia. Last evaluated: 2020-10-20. Review status: criteria provided, single submitter. Criteria: Invitae Variant Classification Sherloc (09022015). Collection method: clinical testing. Allele origin: germline.
Comment: This variant is a gross deletion of the genomic region encompassing exon(s) 11 of the SMARCAL1 gene. This variant would be expected to be in-frame, preserving the integrity of the reading frame. This variant has not been reported in the literature in individuals with SMARCAL1-related conditions. This variant disrupts the p.Ser579 amino acid residue in SMARCAL1. Other variant(s) that disrupt this residue have been determined to be pathogenic (PMID: 11799392, 22998683). This suggests that this residue is clinically significant, and that variants that disrupt this residue are likely to be disease-causing. In summary, the currently available evidence indicates that the variant is pathogenic, but additional data are needed to prove that conclusively. Therefore, this variant has been classified as Likely Pathogenic.

Literature cited by the submitters: PubMed 11799392; PubMed 22998683.

NC_000002.11:g.(?_217311731)_(217311891_?)del

Gene: SMARCAL1 (SNF2 related chromatin remodeling annealing helicase 1; plus strand). Cytogenetic location: 2q35.
Variant type: Deletion.
Identifiers: ClinVar variation 1066415 (VCV001066415.1).